The following is an entry in ClinVar:

NM_021831.6(AGBL5):c.1075G>A (p.Asp359Asn)

Gene: AGBL5 (AGBL carboxypeptidase 5; plus strand). Cytogenetic location: 2p23.3.
Variant type: single nucleotide variant.
Coding change: c.1075G>A on transcript NM_021831.6 (MANE Select); coding-DNA position 1075, G replaced by A.
Protein change: p.Asp359Asn; replaces aspartic acid 359 with asparagine.
Molecular consequence: missense variant. On other transcripts: non-coding transcript variant (2).
Genome position (GRCh38, 1-based): chr2:27,055,848, G>A. VCF-style: chr2-27055848-G-A. GRCh37 (hg19) VCF-style: chr2-27278716-G-A.
Other names: c.1075G>A (NM_021831.5); c.1075G>A, p.Asp359Asn (NM_001035507.3); short protein forms D359N.
Identifiers: ClinVar variation 1007846 (VCV001007846.9), dbSNP rs1264422740, ClinGen allele CA346179019.
Genomic context (GRCh38, chr2:27,055,848, plus strand): 5'-CACTCTCGTCTGAACTCCCAGAGTTCCTCTGAGCACCAGCCCAGTTCCTGTCTCCCTCCT[G>A]ATGCTCCTGTTTCTGACCTGGAGAAAGCCAACAATCTCCAAAATGAAGCTCAGTGTGGGC-3'
Protein context (NP_068603.4, residues 349-369): EHQPSSCLPP[Asp359Asn]APVSDLEKAN

ClinVar aggregate classification (germline): Uncertain significance. Review status: criteria provided, multiple submitters, no conflicts (2 of 4 stars). 2 submissions from 2 submitters: Uncertain significance (2). Last evaluated 2025-07-28.

Conditions:
Inborn genetic diseases. Identifiers: MedGen C0950123, MeSH D030342.

Allele frequency attached by ClinVar (database versions not stated): gnomAD exomes below 0.00001; gnomAD 0.00001; TOPMed 0.00001.
gnomAD v4.1: 3 of 1,614,052 alleles (0.00019%); highest among the groups gnomAD compares: East Asian, 0.0022%; no homozygotes.

Submissions (2):

Labcorp Genetics (formerly Invitae), Labcorp
Classification: Uncertain significance. Last evaluated: 2025-07-28. Review status: criteria provided, single submitter. Criteria: Invitae Variant Classification Sherloc (09022015). Collection method: clinical testing. Allele origin: germline.
Comment: This sequence change replaces aspartic acid, which is acidic and polar, with asparagine, which is neutral and polar, at codon 359 of the AGBL5 protein (p.Asp359Asn). This variant is present in population databases (no rsID available, gnomAD 0.007%). This variant has not been reported in the literature in individuals affected with AGBL5-related conditions. ClinVar contains an entry for this variant (Variation ID: 1007846). An algorithm developed to predict the effect of missense changes on protein structure and function (PolyPhen-2) suggests that this variant is likely to be tolerated. In summary, the available evidence is currently insufficient to determine the role of this variant in disease. Therefore, it has been classified as a Variant of Uncertain Significance.

Ambry Genetics
Classification: Uncertain significance for Inborn genetic diseases. Last evaluated: 2024-07-26. Review status: criteria provided, single submitter. Criteria: Ambry Variant Classification Scheme 2023. Collection method: clinical testing. Allele origin: germline.